The following is an entry in ClinVar:

ClinVar aggregate classification (germline): Pathogenic/Likely pathogenic. Review status: criteria provided, multiple submitters, no conflicts (2 of 4 stars). 9 submissions from 9 submitters: Pathogenic (5); Likely pathogenic (2). 2 of the submissions do not count toward it. Last evaluated 2024-04-16.

Conditions:
DES-related disorders.
Desmin-related myofibrillar myopathy (MFM1). Also called: MYOFIBRILLAR MYOPATHY WITH ARRHYTHMOGENIC RIGHT VENTRICULAR CARDIOMYOPATHY; DESMIN-RELATED MYOPATHY WITH ARRHYTHMOGENIC RIGHT VENTRICULAR CARDIOMYOPATHY; Desminopathy; Desmin related myopathy (former name); Desmin storage myopathy (former name); Myofibrillar myopathy 1. Identifiers: Orphanet 363543, Orphanet 98909, MedGen C1832370, MONDO:0011076, OMIM 601419.
Myofibrillar myopathy. Identifiers: Orphanet 593, MedGen C2678065, MONDO:0018943, HP:0003715.

Allele frequency attached by ClinVar (database versions not stated): gnomAD exomes below 0.00001.
gnomAD v4.1: 2 of 1,602,054 alleles (0.00012%); highest among the groups gnomAD compares: Non-Finnish European, 0.00017%; no homozygotes.

Submissions (9):

Revvity Omics, Revvity
Classification: Pathogenic. Last evaluated: 2024-04-16. Review status: criteria provided, single submitter. Criteria: ACMG Guidelines, 2015. Collection method: clinical testing. Allele origin: germline.

Victorian Clinical Genetics Services, Murdoch Childrens Research Institute
Classification: Pathogenic for Desmin-related myofibrillar myopathy. Last evaluated: 2023-07-17. Review status: criteria provided, single submitter. Criteria: ACMG Guidelines, 2015. Collection method: clinical testing. Allele origin: germline. Affected: yes.
Comment: Based on the classification scheme VCGS_Germline_v1.3.4, this variant is classified as Pathogenic. Following criteria are met: 0103 - Dominant negative and loss of function are known mechanisms of disease in this gene and are associated with dilated cardiomyopathy 1I (MIM#604765), myofibrillar myopathy 1 (MIM#601419) and Kaeser type neurogenic scapuloperoneal syndrome (MIM#181400). (I) 0108 - This gene is associated with both recessive and dominant disease. The majority of disease-associated DES variants exhibit autosomal dominant inheritance, with rare cases of biallelic truncating and missense variants reported for myopathy (PMID: 29926427). (I) 0200 - Variant is predicted to result in a missense amino acid change from lysine to threonine. (I) 0251 - This variant is heterozygous. (I) 0301 - Variant is absent from gnomAD (both v2 and v3). (SP) 0501 - Missense variant consistently predicted to be damaging by multiple in silico tools or highly conserved with a major amino acid change. (SP) 0604 - Variant is not located in an established domain, motif, hotspot or informative constraint region (DECIPHER). (I) 0801 - This variant has strong previous evidence of pathogenicity in unrelated individuals. It has been reported in association with myofibrillar myopathy (PMIDs: 23051780, 29926427) and dilated cardiomyopathy (PMID: 29892087). In addition, it is regarded likely pathogenic and pathogenic in ClinVar by diagnostic laboratories. (SP) 0901 - This variant has strong evidence for segregation with disease. It was shown to segregate with myofibrillar myopathy in a multi-generational Irish family (PMID: 23051780). (SP) 1208 - Inheritance information for this variant is not currently available in this individual. (I) Legend: (SP) - Supporting pathogenic, (I) - Information, (SB) - Supporting benign

CeGaT Center for Human Genetics Tuebingen
Classification: Pathogenic. Last evaluated: 2022-12-01. Review status: criteria provided, single submitter. Criteria: CeGaT Center For Human Genetics Tuebingen Variant Classification Criteria Version 2. Collection method: clinical testing. Allele origin: germline. Affected: yes. Observed: 4 variant alleles.
Comment: DES: PP1:Strong, PM2, PS4:Moderate, PP3, PP4, PS3:Supporting

Labcorp Genetics (formerly Invitae), Labcorp
Classification: Pathogenic for Desmin-related myofibrillar myopathy. Last evaluated: 2022-07-29. Review status: criteria provided, single submitter. Criteria: Invitae Variant Classification Sherloc (09022015). Collection method: clinical testing. Allele origin: germline.
Comment: This sequence change replaces lysine, which is basic and polar, with threonine, which is neutral and polar, at codon 449 of the DES protein (p.Lys449Thr). This variant is not present in population databases (gnomAD no frequency). This missense change has been observed in individuals with clinical features of autosomal dominant desminopathy (PMID: 14711882, 23051780, 29892087). It has also been observed to segregate with disease in related individuals. ClinVar contains an entry for this variant (Variation ID: 66400). Algorithms developed to predict the effect of missense changes on protein structure and function are either unavailable or do not agree on the potential impact of this missense change (SIFT: "Tolerated"; PolyPhen-2: "Probably Damaging"; Align-GVGD: "Class C0"). Experimental studies have shown that this missense change affects DES function (PMID: 17221859). For these reasons, this variant has been classified as Pathogenic.

Athena Diagnostics
Classification: Likely pathogenic. Last evaluated: 2021-06-22. Review status: criteria provided, single submitter. Criteria: Athena Diagnostics Criteria. Collection method: clinical testing. Allele origin: unknown.
Comment: This variant has not been reported in large, multi-ethnic general populations. This variant appears to be associated with disease in at least one family with myofibrillar myopathy (PMID: 23051780) and one family with dilated cardiomyopathy (PMID: 29892087). Assessment of experimental evidence regarding the effect of this variant on protein function is inconclusive. Though studies suggest that this variant impacts filament-formation in some in vitro experiments, additional research is needed to understand how this relates to disease in vivo (PMID: 17221859). Additionally, though patient-derived samples have shown abnormal desmin aggregates, it is possible that results could be influenced by factors other than this variant (PMID: 23051780). Computational tools predict that this variant is damaging.

Blueprint Genetics
Classification: Pathogenic for DES-related disorders. Last evaluated: 2017-06-15. Review status: criteria provided, single submitter. Criteria: ACMG Guidelines, 2015. Collection method: clinical testing. Allele origin: germline. Affected: yes. Observed: 1 variant allele.

Eurofins Ntd Llc (ga)
Classification: Likely pathogenic. Last evaluated: 2015-09-11. Review status: criteria provided, single submitter. Criteria: EGL Classification Definitions 2015. Collection method: clinical testing. Allele origin: germline. Observed: 2 variant alleles, 2 heterozygotes.

Mitochondrial Research Group, Newcastle University
Classification: Pathogenic for Myofibrillar myopathy. Last evaluated: 2016-08-16. Review status: no assertion criteria provided. Collection method: clinical testing. Allele origin: unknown. Affected: yes. Observed: 1 variant allele. Not counted in ClinVar's aggregate classification.

Epithelial Biology;  Institute of Medical Biology, Singapore
No classification provided. Review status: no classification provided. Collection method: not provided. Allele origin: not provided. Not counted in ClinVar's aggregate classification.

Literature cited by the submitters: PubMed 23051780 (cited by 3 submitters); PubMed 29892087 (cited by 3 submitters); PubMed 29926427 (cited by Victorian Clinical Genetics Services, Murdoch Childrens Research Institute); PubMed 14711882 (cited by Labcorp Genetics (formerly Invitae), Labcorp and Athena Diagnostics); PubMed 17221859 (cited by Labcorp Genetics (formerly Invitae), Labcorp and Athena Diagnostics); PubMed 27618136 (cited by Athena Diagnostics); PubMed 21262226 (cited by Athena Diagnostics); DOI 10.1016/j.nmd.2016.08.004 (cited by Mitochondrial Research Group, Newcastle University).

NM_001927.4(DES):c.1346A>C (p.Lys449Thr)

Gene: DES (desmin; plus strand). Cytogenetic location: 2q35.
Variant type: single nucleotide variant.
Coding change: c.1346A>C on transcript NM_001927.4 (MANE Select); coding-DNA position 1346, A replaced by C.
Protein change: p.Lys449Thr; replaces lysine 449 with threonine.
Molecular consequence: missense variant.
Genome position (GRCh38, 1-based): chr2:219,425,720, A>C. VCF-style: chr2-219425720-A-C. GRCh37 (hg19) VCF-style: chr2-220290442-A-C.
Other names: c.1346A>C (LRG_380t1); short protein forms K449T.
Identifiers: ClinVar variation 66400 (VCV000066400.53), dbSNP rs267607485, ClinGen allele CA217038.
Genomic context (GRCh38, chr2:219,425,720, plus strand): 5'-CAGAAACCAGCCCTGAGCAAAGGGGTTCTGAGGTCCATACCAAGAAGACGGTGATGATCA[A>C]GACCATCGAGACACGGGATGGGGAGGTAAGTGGTCTGTCTGGGCTCCTTACCCTTGGTGG-3'
Protein context (NP_001918.3, residues 439-459): EVHTKKTVMI[Lys449Thr]TIETRDGEVV